The following is an entry in ClinVar:

NM_022370.4(ROBO3):c.14T>C (p.Leu5Pro)

Gene: ROBO3 (roundabout guidance receptor 3; plus strand). Cytogenetic location: 11q24.2.
Variant type: single nucleotide variant.
Coding change: c.14T>C on transcript NM_022370.4 (MANE Select); coding-DNA position 14, T replaced by C.
Protein change: p.Leu5Pro; replaces leucine 5 with proline.
Molecular consequence: missense variant.
Genome position (GRCh38, 1-based): chr11:124,865,591, T>C. VCF-style: chr11-124865591-T-C. GRCh37 (hg19) VCF-style: chr11-124735487-T-C.
Other names: short protein forms L5P.
Identifiers: ClinVar variation 2179 (VCV000002179.3), dbSNP rs121918275, ClinGen allele CA115389.
Genomic context (GRCh38, chr11:124,865,591, plus strand): 5'-GGGGCTGGGCCCCCAGCCCCCAGTCCCGATCCCAGCTGGGTCGAGCCATGCTGCGCTACC[T>C]GCTGAAAACGCTGCTGCAGATGAACTTGTTCGCGGACTCTCTGGCCGGGGACATCTCCAA-3'
Protein context (NP_071765.2, residues 1-15): MLRY[Leu5Pro]LKTLLQMNLF

ClinVar aggregate classification (germline): Likely pathogenic. Review status: criteria provided, single submitter (1 of 4 stars). 2 submissions from 2 submitters: Likely pathogenic (1). 1 of the submissions does not count toward it. Last evaluated 2021-01-09.

Conditions:
Gaze palsy, familial horizontal, with progressive scoliosis 1 (HGPPS1). Identifiers: Orphanet 2744, MedGen C4551964, MONDO:0020790, OMIM 607313.

Submissions (2):

Institute of Human Genetics, University of Leipzig Medical Center
Classification: Likely pathogenic for Gaze palsy, familial horizontal, with progressive scoliosis 1. Last evaluated: 2021-01-09. Review status: criteria provided, single submitter. Criteria: ACMG Guidelines, 2015. Collection method: curation. Allele origin: germline. Inheritance: Autosomal recessive inheritance. Affected: yes.
Comment: This ROBO3 variant was reported as Pathogenicâ€‹ in PMID: 15105459 with original nomenclature reported as 14T>C, L5P. Variant was re-classified as Likely Pathogenic based on the criteria PM2_Supporting, PM3_Moderate, PP3_Supporting, PP4_Supporting.

OMIM
Classification: Pathogenic for GAZE PALSY, FAMILIAL HORIZONTAL, WITH PROGRESSIVE SCOLIOSIS 1. Last evaluated: 2004-06-04. Review status: no assertion criteria provided. Collection method: literature only. Allele origin: germline. Not counted in ClinVar's aggregate classification.

Literature cited by the submitters: PubMed 15105459 (cited by Institute of Human Genetics, University of Leipzig Medical Center and OMIM).